The following is an entry in ClinVar:

ClinVar aggregate classification (germline): Uncertain significance (1 of 4 stars; one submission).

Conditions:
Neurofibromatosis, type 1 (NF1). Also called: VON RECKLINGHAUSEN DISEASE; Peripheral type neurofibromatosis; NEUROFIBROMATOSIS, TYPE I, SOMATIC; Neurofibromatosis, type I. Identifiers: Orphanet 636, MedGen C0027831, MONDO:0018975, OMIM 162200. Disease mechanism: loss of function.

Submission:

Labcorp Genetics (formerly Invitae), Labcorp
Classification: Uncertain significance for Neurofibromatosis, type 1. Last evaluated: 2025-11-19. Review status: criteria provided, single submitter. Criteria: Invitae Variant Classification Sherloc (09022015). Collection method: clinical testing. Allele origin: germline.
Comment: This sequence change replaces aspartic acid, which is acidic and polar, with glycine, which is neutral and non-polar, at codon 668 of the NF1 protein (p.Asp668Gly). This variant is not present in population databases (gnomAD no frequency). This variant has not been reported in the literature in individuals affected with NF1-related conditions. An algorithm developed to predict the effect of missense changes on protein structure and function (PolyPhen-2) suggests that this variant is likely to be tolerated. In summary, the available evidence is currently insufficient to determine the role of this variant in disease. Therefore, it has been classified as a Variant of Uncertain Significance.

NM_001042492.3(NF1):c.2003A>G (p.Asp668Gly)

Gene: NF1 (neurofibromin 1; plus strand). Cytogenetic location: 17q11.2.
Variant type: single nucleotide variant.
Coding change: c.2003A>G on transcript NM_001042492.3 (MANE Select); coding-DNA position 2003, A replaced by G.
Protein change: p.Asp668Gly; replaces aspartic acid 668 with glycine.
Molecular consequence: missense variant.
Genome position (GRCh38, 1-based): chr17:31,226,436, A>G. VCF-style: chr17-31226436-A-G. GRCh37 (hg19) VCF-style: chr17-29553454-A-G.
Other names: c.2003A>G, p.Asp668Gly (NM_000267.4); short protein forms D668G.
Identifiers: ClinVar variation 4706857 (VCV004706857.1).